The following is an entry in ClinVar:

NM_001113407.3(LDB1):c.352+1G>A

Genes: LDB1 (LIM domain binding 1; minus strand), LOC126861021 (CDK7 strongly-dependent group 2 enhancer GRCh37_chr10:103870016-103871215; plus strand). Cytogenetic location: 10q24.32.
Variant type: single nucleotide variant.
Coding change: c.352+1G>A on transcript NM_001113407.3 (MANE Select); the canonical splice donor site of the intron after coding-DNA position 352, G replaced by A.
Molecular consequence: splice donor variant.
Genome position (GRCh38, 1-based): chr10:102,110,868, C>T on the plus strand (G>A on the coding strand, the complement: LDB1 is on the minus strand). VCF-style: chr10-102110868-C-T. GRCh37 (hg19) VCF-style: chr10-103870625-C-T.
Other names: c.352+1G>A (NM_001321612.2); c.244+1G>A (NM_003893.5).
Identifiers: ClinVar variation 3776377 (VCV003776377.2).

ClinVar aggregate classification (germline): Conflicting classifications of pathogenicity. Review status: criteria provided, conflicting classifications (1 of 4 stars). 2 submissions from 2 submitters: Likely pathogenic (1); Uncertain significance (1). Last evaluated 2026-03-23.

Conditions:
Autosomal dominant non-syndromic intellectual disability. Identifiers: Orphanet 178469, MedGen C5680502, MONDO:0015802.

Submissions (2):

Department of Human Genetics, University Hospital Bern, Inselspital
Classification: Likely pathogenic for Autosomal dominant non-syndromic intellectual disability. Last evaluated: 2026-03-23. Review status: criteria provided, single submitter. Criteria: ACMG Guidelines, 2015. Collection method: clinical testing. Allele origin: unknown. Affected: yes.
Comment: The variant affects a canonical splice site most likely leading to the loss of a splice donor site and skipping of exon 5, subsequently resulting in a frameshift. The variant is also absent from gnomAD v4.1.0. In summary, criteria PVS1, PM2_Supporting were used.

GeneDx
Classification: Uncertain significance. Last evaluated: 2024-10-04. Review status: criteria provided, single submitter. Criteria: GeneDx Variant Classification Process June 2021. Collection method: clinical testing. Allele origin: germline. Affected: yes.
Comment: Not observed at significant frequency in large population cohorts (gnomAD); Canonical splice site variant in a gene or region of a gene for which loss of function is not a well-established mechanism of disease; Has not been previously published as pathogenic or benign to our knowledge; Variants in candidate genes are classified as variants of uncertain significance in accordance with ACMG guidelines (PMID: 25741868)